The following is an entry in ClinVar:

ClinVar aggregate classification (germline): Uncertain significance (1 of 4 stars; one submission).

Allele frequency attached by ClinVar (database versions not stated): gnomAD exomes below 0.00001; TOPMed below 0.00001.
gnomAD v4.1: 1 of 1,613,994 alleles (0.000062%); highest among the groups gnomAD compares: East Asian, 0.0022%; no homozygotes.

Submission:

GeneDx
Classification: Uncertain significance. Last evaluated: 2019-08-19. Review status: criteria provided, single submitter. Criteria: GeneDx Variant Classification (06012015). Collection method: clinical testing. Allele origin: germline. Affected: yes.
Comment: The K1214N variant is observed in 0.0004% (1/249052) alleles in large population cohorts (Lek et al., 2016). In silico analysis, which includes protein predictors and evolutionary conservation, supports that this variant does not alter protein structure/function. Therefore, we interpret K1214N as a variant of uncertain significance.

NM_017757.3(ZNF407):c.3642G>C (p.Lys1214Asn)

Gene: ZNF407 (zinc finger protein 407; plus strand). Cytogenetic location: 18q22.3.
Variant type: single nucleotide variant.
Coding change: c.3642G>C on transcript NM_017757.3 (MANE Select); coding-DNA position 3642, G replaced by C.
Protein change: p.Lys1214Asn; replaces lysine 1214 with asparagine.
Molecular consequence: missense variant.
Genome position (GRCh38, 1-based): chr18:74,634,661, G>C. VCF-style: chr18-74634661-G-C. GRCh37 (hg19) VCF-style: chr18-72346617-G-C.
Other names: c.3642G>C, p.Lys1214Asn (NM_001146189.1, NM_001146190.1, NM_001384475.1); short protein forms K1214N.
Identifiers: ClinVar variation 689353 (VCV000689353.1), dbSNP rs1437942074, ClinGen allele CA402768773.